The following is an entry in ClinVar:

ClinVar aggregate classification (germline): Pathogenic/Likely pathogenic. Review status: criteria provided, multiple submitters, no conflicts (2 of 4 stars). 3 submissions from 3 submitters: Pathogenic (1); Likely pathogenic (1). 1 of the submissions does not count toward it. Last evaluated 2026-08-11.

Conditions:
STAT1-related disorder. Also called: STAT1-related condition.
Autoimmune enteropathy and endocrinopathy - susceptibility to chronic infections syndrome. Also called: Immunodeficiency 31C, autosomal dominant; Immunodeficiency 31C. Identifiers: Orphanet 391487, MedGen C3279990, MONDO:0013599, OMIM 614162.

Submissions (3):

Laboratory of Clinical Immunology, Infection and Allergy, Faculty of Medicine and Pharmacy of Casablanca, University of Hassan II Casablanca
Classification: Pathogenic for Autoimmune enteropathy and endocrinopathy - susceptibility to chronic infections syndrome. Last evaluated: 2026-08-11. Review status: criteria provided, single submitter. Criteria: ACMG Guidelines, 2015. Collection method: clinical testing. Allele origin: de novo. Affected: yes. Observed: 1 variant allele.
Comment: This missense change replaces glutamine with proline at position 271 of the STAT1 protein, within the coiled-coil domain, a well-established mutational hotspot for gain-of-function variants in this gene (PM1). The variant is absent from population databases, including gnomAD (PM2). The same substitution has been reported in multiple unrelated individuals with chronic mucocutaneous candidiasis (PMID:39175777; 21670302; 32685180) (PS4). Published functional studies demonstrate increased interferon-induced STAT1 phosphorylation and enhanced GAS-dependent transcriptional activity, consistent with a gain-of-function effect (PS3). In summary, on the basis of PS2, PS3, PS4, PM1, PM2, PP3 and PP4, this variant is classified as Pathogenic.

Blueprint Genetics
Classification: Likely pathogenic for STAT1-related disorders. Last evaluated: 2019-06-12. Review status: criteria provided, single submitter. Criteria: ACMG Guidelines, 2015. Collection method: clinical testing. Allele origin: germline. Affected: yes. Observed: 1 variant allele.

OMIM
Classification: Pathogenic for IMMUNODEFICIENCY 31C. Last evaluated: 2011-08-01. Review status: no assertion criteria provided. Collection method: literature only. Allele origin: germline. Not counted in ClinVar's aggregate classification.

Literature cited by the submitters: PubMed 39175777 (cited by Laboratory of Clinical Immunology, Infection and Allergy, Faculty of Medicine and Pharmacy of Casablanca, University of Hassan II Casablanca); PubMed 21670302 (cited by Laboratory of Clinical Immunology, Infection and Allergy, Faculty of Medicine and Pharmacy of Casablanca, University of Hassan II Casablanca); PubMed 32685180 (cited by Laboratory of Clinical Immunology, Infection and Allergy, Faculty of Medicine and Pharmacy of Casablanca, University of Hassan II Casablanca); PubMed 21727188 (cited by OMIM).

NM_007315.4(STAT1):c.812A>C (p.Gln271Pro)

Gene: STAT1 (signal transducer and activator of transcription 1; minus strand). Cytogenetic location: 2q32.2.
Variant type: single nucleotide variant.
Coding change: c.812A>C on transcript NM_007315.4 (MANE Select); coding-DNA position 812, A replaced by C.
Protein change: p.Gln271Pro; replaces glutamine 271 with proline.
Molecular consequence: missense variant. On other transcripts: intron variant (1).
Genome position (GRCh38, 1-based): chr2:190,995,193, T>G on the plus strand (A>C on the coding strand, the complement: STAT1 is on the minus strand). VCF-style: chr2-190995193-T-G. GRCh37 (hg19) VCF-style: chr2-191859919-T-G.
Other names: c.812A>C, p.Gln271Pro (NM_001384880.1, NM_001384882.1, NM_001384886.1 and 4 more transcripts); c.818A>C, p.Gln273Pro (NM_001384881.1, NM_001384884.1); c.713A>C, p.Gln238Pro (NM_001384883.1); c.722A>C, p.Gln241Pro (NM_001384890.1); c.848A>C, p.Gln283Pro (NM_001384891.1); c.785+2663A>C (NM_001384885.1); short protein forms Q271P, Q238P, Q241P, Q273P, Q283P.
Identifiers: ClinVar variation 30094 (VCV000030094.3), dbSNP rs387906768, ClinGen allele CA128944.